The following is an entry in ClinVar:

NC_000005.9:g.(?_176720813)_(176722460_?)del

Gene: NSD1 (nuclear receptor binding SET domain protein 1; plus strand). Cytogenetic location: 5q35.3.
Variant type: Deletion.
Identifiers: ClinVar variation 2426757 (VCV002426757.5).

ClinVar aggregate classification (germline): Pathogenic (1 of 4 stars; one submission).

Conditions:
Sotos syndrome (SOTOS). Also called: CHROMOSOME 5q35 DELETION SYNDROME; SOTOS SYNDROME 1; CEREBRAL GIGANTISM; Sotos' syndrome; Distinctive facial appearance, overgrowth in childhood, and learning disabilities or delayed development. Identifiers: Orphanet 821, MedGen C0175695, MONDO:0019349, OMIM 117550.

Submission:

Labcorp Genetics (formerly Invitae), Labcorp
Classification: Pathogenic. Last evaluated: 2021-12-13. Review status: criteria provided, single submitter. Criteria: Invitae Variant Classification Sherloc (09022015). Collection method: clinical testing. Allele origin: germline.
Comment: This variant is a gross deletion of the genomic region encompassing exon(s) 23 of the NSD1 gene, which includes the termination codon. This deletion extends beyond the assayed region for this gene and therefore may encompass additional genes. While this deletion is not anticipated to lead to nonsense mediated decay, it is expected to alter mRNA translation or result in a truncated protein product. This variant has not been reported in the literature in individuals affected with NSD1-related conditions. This variant disrupts a region of the NSD1 protein in which other variant(s) (p.Cys2159Ser) have been determined to be pathogenic (Invitae). This suggests that this is a clinically significant region of the protein, and that variants that disrupt it are likely to be disease-causing. For these reasons, this variant has been classified as Pathogenic.